The following is an entry in ClinVar:

NM_053013.4(ENO3):c.710C>G (p.Pro237Arg)

Gene: ENO3 (enolase 3; plus strand). Cytogenetic location: 17p13.2.
Variant type: single nucleotide variant.
Coding change: c.710C>G on transcript NM_053013.4 (MANE Select); coding-DNA position 710, C replaced by G.
Protein change: p.Pro237Arg; replaces proline 237 with arginine.
Molecular consequence: missense variant.
Genome position (GRCh38, 1-based): chr17:4,955,449, C>G. VCF-style: chr17-4955449-C-G. GRCh37 (hg19) VCF-style: chr17-4858744-C-G.
Other names: c.581C>G, p.Pro194Arg (NM_001193503.2); c.710C>G, p.Pro237Arg (NM_001374523.1, NM_001976.5); c.737C>G, p.Pro246Arg (NM_001374524.1); short protein forms P194R, P237R, P246R.
Identifiers: ClinVar variation 1942661 (VCV001942661.5), dbSNP rs768320684, ClinGen allele CA8316405.

ClinVar aggregate classification (germline): Uncertain significance (1 of 4 stars; one submission).

Conditions:
Glycogen storage disease due to muscle beta-enolase deficiency (GSD13). Also called: ENOLASE 3 DEFICIENCY; ENOLASE-BETA DEFICIENCY; GSD XIII; Glycogen Storage Disease Type XIII. Identifiers: Orphanet 99849, MedGen C2752027, MONDO:0013046, OMIM 612932.

Submission:

Labcorp Genetics (formerly Invitae), Labcorp
Classification: Uncertain significance for Glycogen storage disease due to muscle beta-enolase deficiency. Last evaluated: 2021-12-18. Review status: criteria provided, single submitter. Criteria: Invitae Variant Classification Sherloc (09022015). Collection method: clinical testing. Allele origin: germline.
Comment: This sequence change replaces proline, which is neutral and non-polar, with arginine, which is basic and polar, at codon 237 of the ENO3 protein (p.Pro237Arg). This variant is present in population databases (rs768320684, gnomAD 0.009%). This variant has not been reported in the literature in individuals affected with ENO3-related conditions. Algorithms developed to predict the effect of missense changes on protein structure and function are either unavailable or do not agree on the potential impact of this missense change (SIFT: "Tolerated"; PolyPhen-2: "Possibly Damaging"; Align-GVGD: "Class C0"). In summary, the available evidence is currently insufficient to determine the role of this variant in disease. Therefore, it has been classified as a Variant of Uncertain Significance.